The following is an entry in ClinVar:

ClinVar aggregate classification (germline): Uncertain significance (1 of 4 stars; one submission).

Conditions:
Multiple endocrine neoplasia, type 2 (MEN2). Identifiers: Orphanet 653, MedGen C4048306, MONDO:0019003. Disease mechanism: gain of function.

Submission:

Labcorp Genetics (formerly Invitae), Labcorp
Classification: Uncertain significance for Multiple endocrine neoplasia, type 2. Last evaluated: 2024-11-21. Review status: criteria provided, single submitter. Criteria: Invitae Variant Classification Sherloc (09022015). Collection method: clinical testing. Allele origin: germline.
Comment: This sequence change replaces serine, which is neutral and polar, with leucine, which is neutral and non-polar, at codon 128 of the RET protein (p.Ser128Leu). This variant is not present in population databases (gnomAD no frequency). This variant has not been reported in the literature in individuals affected with RET-related conditions. An algorithm developed to predict the effect of missense changes on protein structure and function outputs the following: PolyPhen-2: "Benign". The leucine amino acid residue is found in multiple mammalian species, which suggests that this missense change does not adversely affect protein function. In summary, the available evidence is currently insufficient to determine the role of this variant in disease. Therefore, it has been classified as a Variant of Uncertain Significance.

NM_020975.6(RET):c.383C>T (p.Ser128Leu)

Gene: RET (ret proto-oncogene; plus strand). Cytogenetic location: 10q11.21.
Variant type: single nucleotide variant.
Coding change: c.383C>T on transcript NM_020975.6 (MANE Select); coding-DNA position 383, C replaced by T.
Protein change: p.Ser128Leu; replaces serine 128 with leucine.
Molecular consequence: missense variant. On other transcripts: intron variant (22).
Genome position (GRCh38, 1-based): chr10:43,102,387, C>T. VCF-style: chr10-43102387-C-T. GRCh37 (hg19) VCF-style: chr10-43597835-C-T.
Other names: c.383C>T, p.Ser128Leu (NM_001406743.1, NM_001406744.1, NM_001406759.1 and 14 more transcripts); c.338-84C>T (NM_001406764.1, NM_001406762.1, NM_001406761.1 and 4 more transcripts); c.337+1665C>T (NM_001406770.1, NM_001406766.1, NM_001406767.1 and 8 more transcripts); c.74-6644C>T (NM_001406784.1); c.74-9712C>T (NM_001406794.1, NM_001406792.1, NM_001406793.1); short protein forms S128L.
Identifiers: ClinVar variation 3725756 (VCV003725756.2).